The following is an entry in ClinVar:

ClinVar aggregate classification (germline): Likely benign. Review status: criteria provided, single submitter (1 of 4 stars). 2 submissions from 2 submitters: Likely benign (1). 1 of the submissions does not count toward it. Last evaluated 2025-04-14.

Conditions:
SEMA3A-related disorder. Also called: SEMA3A-related condition.

Allele frequency attached by ClinVar (database versions not stated): gnomAD 0.00001; gnomAD exomes 0.00001; TOPMed 0.00003.
gnomAD v4.1: 17 of 1,613,808 alleles (0.0011%); highest among the groups gnomAD compares: Admixed American, 0.015%; no homozygotes.

Submissions (2):

Labcorp Genetics (formerly Invitae), Labcorp
Classification: Likely benign. Last evaluated: 2025-04-14. Review status: criteria provided, single submitter. Criteria: Invitae Variant Classification Sherloc (09022015). Collection method: clinical testing. Allele origin: germline.

PreventionGenetics, part of Exact Sciences
Classification: Likely benign for SEMA3A-related condition. Last evaluated: 2021-11-17. Review status: no assertion criteria provided. Collection method: clinical testing. Allele origin: germline. Not counted in ClinVar's aggregate classification.
Comment: This variant is classified as likely benign based on ACMG/AMP sequence variant interpretation guidelines (Richards et al. 2015 PMID: 25741868, with internal and published modifications).

NM_006080.3(SEMA3A):c.151T>C (p.Leu51=)

Gene: SEMA3A (semaphorin 3A; minus strand). Cytogenetic location: 7q21.11.
Variant type: single nucleotide variant.
Coding change: c.151T>C on transcript NM_006080.3 (MANE Select); coding-DNA position 151, T replaced by C.
Protein change: p.Leu51=; no amino-acid change (leucine 51 retained).
Molecular consequence: synonymous variant.
Genome position (GRCh38, 1-based): chr7:84,134,913, A>G on the plus strand (T>C on the coding strand, the complement: SEMA3A is on the minus strand). VCF-style: chr7-84134913-A-G. GRCh37 (hg19) VCF-style: chr7-83764229-A-G.
Identifiers: ClinVar variation 3055745 (VCV003055745.4), dbSNP rs927715765, ClinGen allele CA161783193.